The following is an entry in ClinVar:

NM_004798.4(KIF3B):c.662T>C (p.Ile221Thr)

Gene: KIF3B (kinesin family member 3B; plus strand). Cytogenetic location: 20q11.21.
Variant type: single nucleotide variant.
Coding change: c.662T>C on transcript NM_004798.4 (MANE Select); coding-DNA position 662, T replaced by C.
Protein change: p.Ile221Thr; replaces isoleucine 221 with threonine.
Molecular consequence: missense variant.
Genome position (GRCh38, 1-based): chr20:32,310,439, T>C. VCF-style: chr20-32310439-T-C. GRCh37 (hg19) VCF-style: chr20-30898242-T-C.
Other names: short protein forms I221T.
Identifiers: ClinVar variation 4850545 (VCV004850545.1).

ClinVar aggregate classification (germline): Likely benign (1 of 4 stars; one submission).

Conditions:
Retinitis pigmentosa 89. Identifiers: MedGen C5394552, MONDO:0030071, OMIM 618955.

Submission:

Centre for Medical Genetics,  Mumbai
Classification: Likely benign for Retinitis pigmentosa 89. Last evaluated: 2026-04-02. Review status: criteria provided, single submitter. Criteria: ACMG Guidelines, 2015. Collection method: provider interpretation. Allele origin: germline. Inheritance: Autosomal dominant inheritance. Affected: no. Observed: 1 variant allele, 1 heterozygote.
Comment: The variant satisfies PM2 criteria; Extremely low frequency in gnomAD population databases. The variant satisfies PP3 criteria; For a missense or a splicing region variant, computational prediction tools unanimously support a deleterious effect on the gene. The variant satisfies PP2 criteria; Missense variant in a gene with low rate of benign missense mutations and for which missense mutation is a common mechanism of a disease. However, the variant satisfies BS2 criteria.

Literature cited by the submitters: PubMed 32386558.